The following is an entry in ClinVar:

ClinVar aggregate classification (germline): Uncertain significance. Review status: criteria provided, multiple submitters, no conflicts (2 of 4 stars). 2 submissions from 2 submitters: Uncertain significance (2). Last evaluated 2024-01-15.

Conditions:
RFT1-congenital disorder of glycosylation (CDG1N). Also called: Congenital disorder of glycosylation type In; RFT1-CDG; CDG In. Identifiers: Orphanet 244310, MedGen C2677590, MONDO:0012783, OMIM 612015.
RFT1 related CDG.

Allele frequency attached by ClinVar (database versions not stated): TOPMed 0.00002; ExAC 0.00003; gnomAD 0.00003 and 0.00004; gnomAD exomes 0.00003 and 0.00004; 1000 Genomes Project 30x 0.00016; 1000 Genomes Project 0.00020.
gnomAD v4.1: 61 of 1,614,156 alleles (0.0038%); highest among the groups gnomAD compares: South Asian, 0.013%; no homozygotes.

Submissions (2):

Labcorp Genetics (formerly Invitae), Labcorp
Classification: Uncertain significance for RFT1-congenital disorder of glycosylation. Last evaluated: 2024-01-15. Review status: criteria provided, single submitter. Criteria: Invitae Variant Classification Sherloc (09022015). Collection method: clinical testing. Allele origin: germline.
Comment: This sequence change replaces glycine, which is neutral and non-polar, with serine, which is neutral and polar, at codon 340 of the RFT1 protein (p.Gly340Ser). This variant is present in population databases (rs568474177, gnomAD 0.02%). This missense change has been observed in individual(s) with clinical features of RFT1-congenital disorder of glycosylation (PMID: 30071302). ClinVar contains an entry for this variant (Variation ID: 545641). Advanced modeling of protein sequence and biophysical properties (such as structural, functional, and spatial information, amino acid conservation, physicochemical variation, residue mobility, and thermodynamic stability) performed at Invitae indicates that this missense variant is not expected to disrupt RFT1 protein function with a negative predictive value of 80%. In summary, the available evidence is currently insufficient to determine the role of this variant in disease. Therefore, it has been classified as a Variant of Uncertain Significance.

Clinical Genetics Laboratory, Christian Medical College, Vellore
Classification: Uncertain significance for RFT1 related CDG. Last evaluated: 2018-06-20. Review status: criteria provided, single submitter. Criteria: ACMG Guidelines, 2015. Collection method: clinical testing. Allele origin: germline. Inheritance: Autosomal recessive inheritance. Affected: yes. Observed: 1 variant allele, 1 homozygote.
Comment: This variant has been found in heterozygous state previously at low frequency in healthy individuals of ExAC[0.00003/4], 1000Genome[0.0002/1] and inhouse database[2 individuals] and never in homozygous state. This variant lies in the transmembrane helical domain.

Literature cited by the submitters: PubMed 30071302 (cited by Labcorp Genetics (formerly Invitae), Labcorp).

NM_052859.4(RFT1):c.1018G>A (p.Gly340Ser)

Gene: RFT1 (RFT1 glycolipid translocator homolog; minus strand). Cytogenetic location: 3p21.1.
Variant type: single nucleotide variant.
Coding change: c.1018G>A on transcript NM_052859.4 (MANE Select); coding-DNA position 1018, G replaced by A.
Protein change: p.Gly340Ser; replaces glycine 340 with serine.
Molecular consequence: missense variant.
Genome position (GRCh38, 1-based): chr3:53,104,037, C>T on the plus strand (G>A on the coding strand, the complement: RFT1 is on the minus strand). VCF-style: chr3-53104037-C-T. GRCh37 (hg19) VCF-style: chr3-53138053-C-T.
Other names: short protein forms G340S.
Identifiers: ClinVar variation 545641 (VCV000545641.9), dbSNP rs568474177, ClinGen allele CA2451263.